The following is an entry in ClinVar:

ClinVar aggregate classification (germline): Pathogenic (1 of 4 stars; one submission).

Conditions:
RYR1-related disorder. Also called: RYR1-related condition; RYR1-related disorders. Identifiers: MedGen CN239331.

Submission:

Labcorp Genetics (formerly Invitae), Labcorp
Classification: Pathogenic for RYR1-related disorder. Last evaluated: 2022-06-10. Review status: criteria provided, single submitter. Criteria: Invitae Variant Classification Sherloc (09022015). Collection method: clinical testing. Allele origin: germline.
Comment: This variant has not been reported in the literature in individuals affected with RYR1-related conditions. For these reasons, this variant has been classified as Pathogenic. This variant is not present in population databases (gnomAD no frequency). This sequence change creates a premature translational stop signal (p.Tyr4555*) in the RYR1 gene. It is expected to result in an absent or disrupted protein product. Loss-of-function variants in RYR1 are known to be pathogenic (PMID: 20583297, 20839240, 23919265, 28818389).

Literature cited by the submitters: PubMed 20583297; PubMed 20839240; PubMed 23919265; PubMed 28818389.

NM_000540.3(RYR1):c.13665C>G (p.Tyr4555Ter)

Gene: RYR1 (ryanodine receptor 1; plus strand). Cytogenetic location: 19q13.2.
Variant type: single nucleotide variant.
Coding change: c.13665C>G on transcript NM_000540.3 (MANE Select); coding-DNA position 13665, C replaced by G.
Protein change: p.Tyr4555Ter; replaces tyrosine 4555 with a stop codon.
Molecular consequence: nonsense.
Genome position (GRCh38, 1-based): chr19:38,570,612, C>G. VCF-style: chr19-38570612-C-G. GRCh37 (hg19) VCF-style: chr19-39061252-C-G.
Other names: c.13650C>G, p.Tyr4550Ter (NM_001042723.2); short protein forms Y4550*, Y4555*.
Identifiers: ClinVar variation 2004359 (VCV002004359.4), dbSNP rs2514706791, ClinGen allele CA405678680.